The following is an entry in ClinVar:

ClinVar aggregate classification (germline): Pathogenic/Likely pathogenic. Review status: criteria provided, multiple submitters, no conflicts (2 of 4 stars). 2 submissions from 2 submitters: Pathogenic (1); Likely pathogenic (1). Last evaluated 2024-06-14.

Submissions (2):

GeneDx
Classification: Pathogenic. Last evaluated: 2024-06-14. Review status: criteria provided, single submitter. Criteria: GeneDx Variant Classification Process June 2021. Collection method: clinical testing. Allele origin: germline. Affected: yes.
Comment: In-frame duplication of 7 amino acids in a non-repeat region; Not observed at significant frequency in large population cohorts (gnomAD); This variant is associated with the following publications: (PMID: 27311832, 38553851)

Clinical Genetics Laboratory, Skane University Hospital Lund
Classification: Likely pathogenic. Last evaluated: 2022-05-27. Review status: criteria provided, single submitter. Criteria: ACMG Guidelines, 2015. Collection method: clinical testing. Allele origin: germline. Affected: yes.

NM_004380.3(CREBBP):c.5563_5583dup (p.Ile1855_Gln1861dup)

Gene: CREBBP (CREB binding protein; minus strand). Cytogenetic location: 16p13.3.
Variant type: Duplication.
Coding change: c.5563_5583dup on transcript NM_004380.3 (MANE Select); coding-DNA positions 5563 to 5583, 21 bases duplicated (ATCCAGCACCGCCTGCAGCAG).
Protein change: p.Ile1855_Gln1861dup.
Molecular consequence: inframe insertion.
Genome position (GRCh38, 1-based): chr16:3,729,464-3,729,484, CTGCTGCAGGCGGTGCTGGAT duplicated on the plus strand (ATCCAGCACCGCCTGCAGCAG on the coding strand, the reverse complement: CREBBP is on the minus strand); duplicating any 21 consecutive bases within chr16:3,729,464-3,729,491 gives the same sequence; the c. name uses the placement nearest the transcript's 3' end. VCF-style (leftmost placement, unchanged base first): chr16-3729463-C-CCTGCTGCAGGCGGTGCTGGAT. GRCh37 (hg19) VCF-style: chr16-3779464-C-CCTGCTGCAGGCGGTGCTGGAT.
Other names: c.5563_5583dupATCCAGCACCGCCTGCAGCAG (NM_004380.2); c.5449_5469dup, p.Ile1817_Gln1823dup (NM_001079846.1).
Identifiers: ClinVar variation 424439 (VCV000424439.5), dbSNP rs1555471355, ClinGen allele CA16620197.